The following is an entry in ClinVar:

ClinVar aggregate classification (germline): Uncertain significance (1 of 4 stars; one submission).

Allele frequency attached by ClinVar (database versions not stated): ESP Exome Variant Server 0.00008; gnomAD 0.00009; ExAC 0.00009.
gnomAD v4.1: 137 of 1,531,210 alleles (0.0089%); highest among the groups gnomAD compares: East Asian, 0.027%; no homozygotes.

Submission:

GeneDx
Classification: Uncertain significance. Last evaluated: 2024-02-26. Review status: criteria provided, single submitter. Criteria: GeneDx Variant Classification Process June 2021. Collection method: clinical testing. Allele origin: germline.
Comment: Not observed at significant frequency in large population cohorts (gnomAD); In silico analysis supports that this missense variant does not alter protein structure/function; Has not been previously published as pathogenic or benign to our knowledge

NM_001129.5(AEBP1):c.1648G>A (p.Ala550Thr)

Gene: AEBP1 (AE binding protein 1; plus strand). Cytogenetic location: 7p13.
Variant type: single nucleotide variant.
Coding change: c.1648G>A on transcript NM_001129.5 (MANE Select); coding-DNA position 1648, G replaced by A.
Protein change: p.Ala550Thr; replaces alanine 550 with threonine.
Molecular consequence: missense variant.
Genome position (GRCh38, 1-based): chr7:44,111,171, G>A. VCF-style: chr7-44111171-G-A. GRCh37 (hg19) VCF-style: chr7-44150770-G-A.
Other names: short protein forms A550T.
Identifiers: ClinVar variation 2430684 (VCV002430684.2), dbSNP rs376114999, ClinGen allele CA4237957.